The following is an entry in ClinVar:

NM_002936.6(RNASEH1):c.393C>G (p.Asp131Glu)

Gene: RNASEH1 (ribonuclease H1; minus strand). Cytogenetic location: 2p25.3.
Variant type: single nucleotide variant.
Coding change: c.393C>G on transcript NM_002936.6 (MANE Select); coding-DNA position 393, C replaced by G.
Protein change: p.Asp131Glu; replaces aspartic acid 131 with glutamic acid.
Molecular consequence: missense variant. On other transcripts: non-coding transcript variant (6).
Genome position (GRCh38, 1-based): chr2:3,552,160, G>C on the plus strand (C>G on the coding strand, the complement: RNASEH1 is on the minus strand). VCF-style: chr2-3552160-G-C. GRCh37 (hg19) VCF-style: chr2-3599750-G-C.
Other names: c.315C>G, p.Asp105Glu (NM_001286834.3); c.42C>G, p.Asp14Glu (NM_001286837.3); c.393C>G, p.Asp131Glu (NM_001378271.1, NM_001378272.1, NM_001378273.1); short protein forms D105E, D131E, D14E.
Identifiers: ClinVar variation 1912019 (VCV001912019.3), dbSNP rs376577118, ClinGen allele CA1516296.
Genomic context (GRCh38, chr2:3,552,160, plus strand): 5'-TCCTGACTGTGGTATTAAAATCTGAAAACCCAAGGAAGATGTACCCATGTAGGAAAACGT[G>C]TCTCTGCTAACTGGAGGCGCCGGCTCCACGCTCGGCTTCATGTGCTTTGCATACGGCTCT-3'
Protein context (NP_002927.2, residues 121-141): SVEPAPPVSR[Asp131Glu]TFSYMGDFVV

ClinVar aggregate classification (germline): Uncertain significance (1 of 4 stars; one submission).

Allele frequency attached by ClinVar (database versions not stated): gnomAD 0.00001; gnomAD exomes 0.00001; ExAC 0.00002; TOPMed 0.00003; ESP Exome Variant Server 0.00008.
gnomAD v4.1: 14 of 1,609,362 alleles (0.00087%); highest among the groups gnomAD compares: Non-Finnish European, 0.0012%; no homozygotes.

Submission:

Labcorp Genetics (formerly Invitae), Labcorp
Classification: Uncertain significance. Last evaluated: 2024-12-02. Review status: criteria provided, single submitter. Criteria: Invitae Variant Classification Sherloc (09022015). Collection method: clinical testing. Allele origin: germline.
Comment: This sequence change replaces aspartic acid, which is acidic and polar, with glutamic acid, which is acidic and polar, at codon 131 of the RNASEH1 protein (p.Asp131Glu). This variant is present in population databases (rs376577118, gnomAD 0.005%). This variant has not been reported in the literature in individuals affected with RNASEH1-related conditions. ClinVar contains an entry for this variant (Variation ID: 1912019). Invitae Evidence Modeling of protein sequence and biophysical properties (such as structural, functional, and spatial information, amino acid conservation, physicochemical variation, residue mobility, and thermodynamic stability) indicates that this missense variant is not expected to disrupt RNASEH1 protein function with a negative predictive value of 80%. In summary, the available evidence is currently insufficient to determine the role of this variant in disease. Therefore, it has been classified as a Variant of Uncertain Significance.